The following is an entry in ClinVar:

ClinVar aggregate classification (germline): Benign (1 of 4 stars; one submission).

Conditions:
Charcot-Marie-Tooth disease dominant intermediate C (CMTDIC). Also called: CHARCOT-MARIE-TOOTH NEUROPATHY, DOMINANT INTERMEDIATE C. Identifiers: Orphanet 100045, MedGen C1842237, MONDO:0012012, OMIM 608323.

Allele frequency attached by ClinVar (database versions not stated): gnomAD exomes 0.00014; gnomAD 0.00092 and 0.00101; 1000 Genomes Project 0.00100; 1000 Genomes Project 30x 0.00109; TOPMed 0.00108.
gnomAD v4.1: 201 of 583,244 alleles (0.034%); highest among the groups gnomAD compares: African/African-American, 0.35%; no homozygotes.

Submission:

Illumina Laboratory Services, Illumina
Classification: Benign for Charcot-Marie-Tooth disease dominant intermediate C. Last evaluated: 2018-01-13. Review status: criteria provided, single submitter. Criteria: ICSL Variant Classification Criteria 13 December 2019. Collection method: clinical testing. Allele origin: germline.
Comment: This variant was observed in the ICSL laboratory as part of a predisposition screen in an ostensibly healthy population. It had not been previously curated by ICSL or reported in the Human Gene Mutation Database (HGMD: prior to June 1st, 2018), and was therefore a candidate for classification through an automated scoring system. Utilizing variant allele frequency, disease prevalence and penetrance estimates, and inheritance mode, an automated score was calculated to assess if this variant is too frequent to cause the disease. Based on the score and internal cut-off values, a variant classified as benign is not then subjected to further curation. The score for this variant resulted in a classification of benign for this disease.

NM_003680.3(YARS1):c.-283G>A

Genes: S100PBP (S100P binding protein; plus strand), YARS1 (tyrosyl-tRNA synthetase 1; minus strand). Cytogenetic location: 1p35.1.
Variant type: single nucleotide variant.
Coding change: c.-283G>A on transcript NM_003680.3; 283 bases upstream of the start codon, G replaced by A.
Molecular consequence: 5 prime UTR variant (on NM_001256121.2).
Genome position (GRCh38, 1-based): chr1:32,817,527, C>T on the plus strand (G>A on the coding strand, the complement: YARS1 is on the minus strand). VCF-style: chr1-32817527-C-T. GRCh37 (hg19) VCF-style: chr1-33283128-C-T.
Other names: c.-192C>T (NM_001256121.2).
Identifiers: ClinVar variation 297167 (VCV000297167.7), dbSNP rs113748028, ClinGen allele CA10610063.